The following is an entry in ClinVar:

ClinVar aggregate classification (germline): Conflicting classifications of pathogenicity. Review status: criteria provided, conflicting classifications (1 of 4 stars). 3 submissions from 3 submitters: Likely pathogenic (1); Uncertain significance (1). 1 of the submissions does not count toward it. Last evaluated 2022-03-09.

Conditions:
Intellectual developmental disorder, autosomal dominant 22. Also called: Intellectual disability, autosomal dominant 22. Identifiers: MedGen CN029689, MONDO:0012869, OMIM 612337.

Allele frequency attached by ClinVar (database versions not stated): TOPMed below 0.00001.

Submissions (3):

Institute for Genomic Statistics and Bioinformatics, University Hospital Bonn
Classification: Likely pathogenic for Intellectual developmental disorder, autosomal dominant 22. Last evaluated: 2022-03-09. Review status: criteria provided, single submitter. Criteria: ACMG Guidelines, 2015. Collection method: clinical testing. Allele origin: germline. Inheritance: Autosomal dominant inheritance. Affected: yes. Observed: 1 heterozygote.

GeneDx
Classification: Uncertain significance. Last evaluated: 2020-02-10. Review status: criteria provided, single submitter. Criteria: GeneDx Variant Classification Process June 2021. Collection method: clinical testing. Allele origin: germline. Affected: yes.
Comment: Not observed in large population cohorts (Lek et al., 2016); In silico analysis supports that this missense variant has a deleterious effect on protein structure/function; Has not been previously published as pathogenic or benign to our knowledge

Institute of Human Genetics, Clinical Exome/Genome Diagnostics Group, University Hospital Bonn
Classification: Uncertain significance for Intellectual developmental disorder, autosomal dominant 22. Last evaluated: 2023-05-05. Review status: flagged submission. Criteria: ACMG Guidelines, 2015. Collection method: clinical testing. Allele origin: germline. Not counted in ClinVar's aggregate classification.
ClinVar note: Reason: Clinical significance appears to be a case-level interpretation inconsistent with variant classification

NM_205768.3(ZBTB18):c.142C>G (p.Arg48Gly)

Gene: ZBTB18 (zinc finger and BTB domain containing 18; plus strand). Cytogenetic location: 1q44.
Variant type: single nucleotide variant.
Coding change: c.142C>G on transcript NM_205768.3 (MANE Select); coding-DNA position 142, C replaced by G.
Protein change: p.Arg48Gly; replaces arginine 48 with glycine.
Molecular consequence: missense variant.
Genome position (GRCh38, 1-based): chr1:244,053,916, C>G. VCF-style: chr1-244053916-C-G. GRCh37 (hg19) VCF-style: chr1-244217218-C-G.
Other names: c.115C>G, p.Arg39Gly (NM_001278196.2, NM_006352.5); short protein forms R39G, R48G.
Identifiers: ClinVar variation 1311575 (VCV001311575.5), dbSNP rs1135401770, ClinGen allele CA345672226.
Genomic context (GRCh38, chr1:244,053,916, plus strand): 5'-CACCAGGGTTTTCTTTGTGACTGCACTGTTCTGGTGGGAGATGCCCAGTTCCGAGCGCAC[C>G]GAGCTGTACTGGCTTCATGCAGCATGTATTTCCACCTCTTTTACAAGGACCAGCTGGACA-3'
Protein context (NP_991331.1, residues 38-58): LVGDAQFRAH[Arg48Gly]AVLASCSMYF